The following is an entry in ClinVar:

ClinVar aggregate classification (germline): Benign/Likely benign. Review status: criteria provided, multiple submitters, no conflicts (2 of 4 stars). 2 submissions from 2 submitters: Benign (1); Likely benign (1). Last evaluated 2026-06-01.

gnomAD v4.1: 35 of 1,613,938 alleles (0.0022%); highest among the groups gnomAD compares: Admixed American, 0.058%; no homozygotes.

Submissions (2):

CeGaT Center for Human Genetics Tuebingen
Classification: Likely benign. Last evaluated: 2026-06-01. Review status: criteria provided, single submitter. Criteria: CeGaT Center For Human Genetics Tuebingen Variant Classification Criteria Version 2. Collection method: clinical testing. Allele origin: germline. Affected: yes. Observed: 2 variant alleles.
Comment: CASZ1: BP4, BP7

Labcorp Genetics (formerly Invitae), Labcorp
Classification: Benign. Last evaluated: 2025-12-21. Review status: criteria provided, single submitter. Criteria: Invitae Variant Classification Sherloc (09022015). Collection method: clinical testing. Allele origin: germline.

NM_001079843.3(CASZ1):c.897T>C (p.Ser299=)

Gene: CASZ1 (castor zinc finger 1; minus strand). Cytogenetic location: 1p36.22.
Variant type: single nucleotide variant.
Coding change: c.897T>C on transcript NM_001079843.3 (MANE Select); coding-DNA position 897, T replaced by C.
Protein change: p.Ser299=; no amino-acid change (serine 299 retained).
Molecular consequence: synonymous variant.
Genome position (GRCh38, 1-based): chr1:10,660,145, A>G on the plus strand (T>C on the coding strand, the complement: CASZ1 is on the minus strand). VCF-style: chr1-10660145-A-G. GRCh37 (hg19) VCF-style: chr1-10720202-A-G.
Other names: c.897T>C, p.Ser299= (NM_017766.5).
Identifiers: ClinVar variation 3655452 (VCV003655452.7).